The following is an entry in ClinVar:

ClinVar aggregate classification (germline): Uncertain significance (1 of 4 stars; one submission).

Conditions:
Inborn genetic diseases. Identifiers: MedGen C0950123, MeSH D030342.

Submission:

Ambry Genetics
Classification: Uncertain significance for Inborn genetic diseases. Last evaluated: 2018-03-30. Review status: criteria provided, single submitter. Criteria: Ambry Variant Classification Scheme 2023. Collection method: clinical testing. Allele origin: germline.
Comment: The p.*636GEXT*50 variant (also known as c.1906T>G), located in coding exon 13 of the SLC6A8 gene, results from a T to G substitution at nucleotide position 1906, which is the last nucleotide of the SLC6A8 gene. The stop codon at position 636 is replaced by Glycine, resulting in an elongation of the protein by fifty amino acids. The exact functional impact of these additional amino acids is unknown at this time. Since supporting evidence is limited at this time, the clinical significance of this alteration remains unclear.

NM_005629.4(SLC6A8):c.1906T>G (p.Ter636Gly)

Gene: SLC6A8 (solute carrier family 6 member 8; plus strand). Cytogenetic location: Xq28.
Variant type: single nucleotide variant.
Coding change: c.1906T>G on transcript NM_005629.4 (MANE Select); coding-DNA position 1906, T replaced by G.
Protein change: p.Ter636Gly.
Molecular consequence: stop lost.
Genome position (GRCh38, 1-based): chrX:153,695,212, T>G. VCF-style: chrX-153695212-T-G. GRCh37 (hg19) VCF-style: chrX-152960667-T-G.
Other names: c.1876T>G, p.Ter626Gly (NM_001142805.2); c.1561T>G, p.Ter521Gly (NM_001142806.1).
Identifiers: ClinVar variation 1782402 (VCV001782402.2), dbSNP rs4065272, ClinGen allele CA337221198.
Genomic context (GRCh38, chrX:153,695,212, plus strand): 5'-CTGACCACCCTGACCCCAGTGTCCGAGAGCAGCAAGGTCGTCGTGGTGGAGAGTGTCATG[T>G]GACAACTCAGCTCACATCACCAGCTCACCTCTGGTAGCCATAGCAGCCCCTGCTTCAGCC-3'